The following is an entry in ClinVar:

ClinVar aggregate classification (germline): Benign (1 of 4 stars; one submission).

Conditions:
Multiple endocrine neoplasia type 2A. Also called: Multiple Endocrine Neoplasia Type 2A (MEN2A); MULTIPLE ENDOCRINE NEOPLASIA, TYPE IIA; PTC SYNDROME; SIPPLE SYNDROME; MEN 2A; MEN-2A syndrome. Identifiers: Orphanet 247698, Orphanet 653, MedGen C0025268, MeSH D018813, MONDO:0008234, OMIM 171400.

Submission:

Myriad Genetics, Inc.
Classification: Benign for Multiple endocrine neoplasia type 2A. Last evaluated: 2025-02-25. Review status: criteria provided, single submitter. Criteria: Myriad Autosomal Dominant, Autosomal Recessive and X-Linked Classification Criteria (2023). Collection method: clinical testing. Allele origin: unknown.
Comment: This variant is considered benign. This variant is a silent/synonymous amino acid change and it is not expected to impact splicing.

NM_020975.6(RET):c.1576C>T (p.Leu526=)

Gene: RET (ret proto-oncogene; plus strand). Cytogenetic location: 10q11.21.
Variant type: single nucleotide variant.
Coding change: c.1576C>T on transcript NM_020975.6 (MANE Select); coding-DNA position 1576, C replaced by T.
Protein change: p.Leu526=; no amino-acid change (leucine 526 retained).
Molecular consequence: synonymous variant.
Genome position (GRCh38, 1-based): chr10:43,112,152, C>T. VCF-style: chr10-43112152-C-T. GRCh37 (hg19) VCF-style: chr10-43607600-C-T.
Other names: c.814C>T, p.Leu272= (NM_001355216.2); c.1576C>T, p.Leu526= (NM_001406743.1, NM_001406744.1, NM_001406759.1 and 4 more transcripts); c.1447C>T, p.Leu483= (NM_001406761.1, NM_001406762.1, NM_001406764.1 and 1 more transcripts); c.1288C>T, p.Leu430= (NM_001406766.1, NM_001406767.1, NM_001406770.1); c.1180C>T, p.Leu394= (NM_001406769.1, NM_001406772.1); c.1138C>T, p.Leu380= (NM_001406771.1, NM_001406773.1); c.1051C>T, p.Leu351= (NM_001406774.1); c.850C>T, p.Leu284= (NM_001406775.1, NM_001406776.1, NM_001406777.1 and 1 more transcripts); and 5 more.
Identifiers: ClinVar variation 3904699 (VCV003904699.1).